The following is an entry in ClinVar:

NM_001242896.3(DEPDC5):c.4333A>C (p.Ile1445Leu)

Gene: DEPDC5 (DEP domain containing 5, GATOR1 subcomplex subunit; plus strand). Cytogenetic location: 22q12.3.
Variant type: single nucleotide variant.
Coding change: c.4333A>C on transcript NM_001242896.3 (MANE Select); coding-DNA position 4333, A replaced by C.
Protein change: p.Ile1445Leu; replaces isoleucine 1445 with leucine.
Molecular consequence: missense variant. On other transcripts: non-coding transcript variant (5).
Genome position (GRCh38, 1-based): chr22:31,897,611, A>C. VCF-style: chr22-31897611-A-C. GRCh37 (hg19) VCF-style: chr22-32293597-A-C.
Other names: c.4306A>C, p.Ile1436Leu (NM_001136029.4); c.4033A>C, p.Ile1345Leu (NM_001242897.2); c.4267A>C, p.Ile1423Leu (NM_001363852.2, NM_001364320.2); c.4099A>C, p.Ile1367Leu (NM_001363854.2, NM_001364319.2); c.4333A>C, p.Ile1445Leu (NM_001364318.2); c.4249A>C, p.Ile1417Leu (NM_001369901.1, NM_001369902.1); c.4240A>C, p.Ile1414Leu (NM_001369903.1, NM_014662.6); short protein forms I1414L, I1367L, I1423L, I1436L, I1417L, I1445L, I1345L.
Identifiers: ClinVar variation 3663790 (VCV003663790.2).

ClinVar aggregate classification (germline): Uncertain significance (1 of 4 stars; one submission).

Conditions:
Familial focal epilepsy with variable foci (FPEVF). Identifiers: Orphanet 98820, MedGen C1858477, MONDO:0020310.

Submission:

Labcorp Genetics (formerly Invitae), Labcorp
Classification: Uncertain significance for Familial focal epilepsy with variable foci. Last evaluated: 2024-08-28. Review status: criteria provided, single submitter. Criteria: Invitae Variant Classification Sherloc (09022015). Collection method: clinical testing. Allele origin: germline.
Comment: This sequence change replaces isoleucine, which is neutral and non-polar, with leucine, which is neutral and non-polar, at codon 1445 of the DEPDC5 protein (p.Ile1445Leu). This variant is not present in population databases (gnomAD no frequency). This variant has not been reported in the literature in individuals affected with DEPDC5-related conditions. An algorithm developed to predict the effect of missense changes on protein structure and function outputs the following: PolyPhen-2: "Not Available". The leucine amino acid residue is found in multiple mammalian species, which suggests that this missense change does not adversely affect protein function. In summary, the available evidence is currently insufficient to determine the role of this variant in disease. Therefore, it has been classified as a Variant of Uncertain Significance.